The following is an entry in ClinVar:

NM_201384.3(PLEC):c.2613-8C>T

Gene: PLEC (plectin; minus strand). Cytogenetic location: 8q24.3.
Variant type: single nucleotide variant.
Coding change: c.2613-8C>T on transcript NM_201384.3 (MANE Select); 8 bases into the intron before coding-DNA position 2613, C replaced by T.
Molecular consequence: intron variant.
Genome position (GRCh38, 1-based): chr8:143,930,070, G>A on the plus strand (C>T on the coding strand, the complement: PLEC is on the minus strand). VCF-style: chr8-143930070-G-A. GRCh37 (hg19) VCF-style: chr8-145004238-G-A.
Other names: c.2694-8C>T (NM_000445.5); c.2571-8C>T (NM_201378.4); c.2547-8C>T (NM_201379.3); c.3024-8C>T (NM_201380.4); c.2517-8C>T (NM_201381.3); c.2613-8C>T (NM_201382.4); c.2625-8C>T (NM_201383.3).
Identifiers: ClinVar variation 471556 (VCV000471556.11), dbSNP rs376936955, ClinGen allele CA4927438.
Genomic context (GRCh38, chr8:143,930,070, plus strand): 5'-CCACGTGCAACTGGTGCCACAGCGTGACCAGGGCCTGGTGCTGGGCCTCCAGCCTGGCAG[G>A]TCAGGGCTACAGTCAGCGTCACCAGCGCCCCACCCGCCTTCCAGCCCCCACCTGCTGAGC-3'

ClinVar aggregate classification (germline): Likely benign. Review status: criteria provided, single submitter (1 of 4 stars). 2 submissions from 2 submitters: Likely benign (1). 1 of the submissions does not count toward it. Last evaluated 2024-04-10.

Conditions:
Epidermolysis bullosa simplex 5C, with pyloric atresia (EBS5C). Also called: PLEC1-Related Epidermolysis Bullosa with Pyloric Atresia; PLEC-Related Epidermolysis Bullosa with Pyloric Atresia; Epidermolysis bullosa simplex with pyloric atresia. Identifiers: Orphanet 158684, MedGen C2677349, MONDO:0012807, OMIM 612138.
Epidermolysis bullosa simplex 5B, with muscular dystrophy (EBS5B). Also called: Epidermolysis bullosa simplex with muscular dystrophy; EPIDERMOLYSIS BULLOSA SIMPLEX AND LIMB-GIRDLE MUSCULAR DYSTROPHY. Identifiers: Orphanet 257, MedGen C2931072, MONDO:0009181, OMIM 226670.
Autosomal recessive limb-girdle muscular dystrophy type 2Q (LGMDR17). Also called: MUSCULAR DYSTROPHY, LIMB-GIRDLE, AUTOSOMAL RECESSIVE 17. Identifiers: Orphanet 254361, MedGen C3150989, MONDO:0013390, OMIM 613723.
Epidermolysis bullosa simplex with nail dystrophy (EBS5D). Identifiers: MedGen C4225309, MONDO:0014661, OMIM 616487.
Epidermolysis bullosa simplex, Ogna type (EBS5A). Also called: Pidermolysis bullosa simplex 5A, Ogna type; EPIDERMOLYSIS BULLOSA SIMPLEX 5A, OGNA TYPE. Identifiers: Orphanet 79401, MedGen C0432317, MONDO:0007555, OMIM 131950.
PLEC-related disorder. Also called: PLEC-related condition; PLEC-related disorders.

Allele frequency attached by ClinVar (database versions not stated): TOPMed 0.00003; gnomAD 0.00004; gnomAD exomes 0.00004 and 0.00006; ExAC 0.00007; ESP Exome Variant Server 0.00008.
gnomAD v4.1: 64 of 1,609,448 alleles (0.004%); highest among the groups gnomAD compares: South Asian, 0.036%; no homozygotes.

Submissions (2):

Labcorp Genetics (formerly Invitae), Labcorp
Classification: Likely benign for Autosomal recessive limb-girdle muscular dystrophy type 2Q; Epidermolysis bullosa simplex, Ogna type; Epidermolysis bullosa simplex with nail dystrophy; Epidermolysis bullosa simplex 5C, with pyloric atresia; Epidermolysis bullosa simplex 5B, with muscular dystrophy. Last evaluated: 2024-04-10. Review status: criteria provided, single submitter. Criteria: Invitae Variant Classification Sherloc (09022015). Collection method: clinical testing. Allele origin: germline.

PreventionGenetics, part of Exact Sciences
Classification: Likely benign for PLEC-related condition. Last evaluated: 2019-02-21. Review status: no assertion criteria provided. Collection method: clinical testing. Allele origin: germline. Not counted in ClinVar's aggregate classification.
Comment: This variant is classified as likely benign based on ACMG/AMP sequence variant interpretation guidelines (Richards et al. 2015 PMID: 25741868, with internal and published modifications).